The following is an entry in ClinVar:

NM_025099.6(CTC1):c.2670-7C>T

Gene: CTC1 (CST telomere replication complex component 1; minus strand). Cytogenetic location: 17p13.1.
Variant type: single nucleotide variant.
Coding change: c.2670-7C>T on transcript NM_025099.6 (MANE Select); 7 bases into the intron before coding-DNA position 2670, C replaced by T.
Molecular consequence: intron variant.
Genome position (GRCh38, 1-based): chr17:8,230,658, G>A on the plus strand (C>T on the coding strand, the complement: CTC1 is on the minus strand). VCF-style: chr17-8230658-G-A. GRCh37 (hg19) VCF-style: chr17-8133976-G-A.
Identifiers: ClinVar variation 700153 (VCV000700153.12), dbSNP rs750034989, ClinGen allele CA8372006.

ClinVar aggregate classification (germline): Likely benign. Review status: criteria provided, multiple submitters, no conflicts (2 of 4 stars). 3 submissions from 3 submitters: Likely benign (3). Last evaluated 2026-04-30.

Conditions:
CTC1-related disorder. Also called: CTC1-related condition.
Dyskeratosis congenita. Identifiers: Orphanet 1775, MedGen C0265965, MONDO:0015780.

Allele frequency attached by ClinVar (database versions not stated): gnomAD exomes below 0.00001 and 0.00001; ExAC 0.00001; gnomAD 0.00003; TOPMed 0.00003.
gnomAD v4.1: 18 of 1,613,244 alleles (0.0011%); highest among the groups gnomAD compares: Middle Eastern, 0.016%; no homozygotes.

Submissions (3):

PreventionGenetics, part of Exact Sciences
Classification: Likely benign for CTC1-related condition. Last evaluated: 2026-04-30. Review status: criteria provided, single submitter. Criteria: ACMG Guidelines, 2015. Collection method: clinical testing. Allele origin: germline.
Comment: This variant is classified as likely benign based on ACMG/AMP sequence variant interpretation guidelines (Richards et al. 2015 PMID: 25741868, with internal and published modifications).

Labcorp Genetics (formerly Invitae), Labcorp
Classification: Likely benign for Dyskeratosis congenita. Last evaluated: 2025-12-26. Review status: criteria provided, single submitter. Criteria: Invitae Variant Classification Sherloc (09022015). Collection method: clinical testing. Allele origin: germline.

Blueprint Genetics
Classification: Likely benign. Last evaluated: 2024-10-10. Review status: criteria provided, single submitter. Criteria: ACMG Guidelines, 2015. Collection method: clinical testing. Allele origin: germline.